The following is an entry in ClinVar:

ClinVar aggregate classification (germline): Uncertain significance (1 of 4 stars; one submission).

Submission:

GeneDx
Classification: Uncertain significance. Last evaluated: 2019-11-07. Review status: criteria provided, single submitter. Criteria: GeneDx Variant Classification Process June 2021. Collection method: clinical testing. Allele origin: germline. Affected: yes.
Comment: Not observed in large population cohorts (Lek 2016); In silico analysis, which includes protein predictors and evolutionary conservation, supports a deleterious effect; Observed in individuals with multiple cafe au lait macules referred for genetic testing at GeneDx and in published literature (Yao 2019); This variant is associated with the following publications: (PMID: 31717729)

NM_001042492.3(NF1):c.281T>C (p.Leu94Pro)

Gene: NF1 (neurofibromin 1; plus strand). Cytogenetic location: 17q11.2.
Variant type: single nucleotide variant.
Coding change: c.281T>C on transcript NM_001042492.3 (MANE Select); coding-DNA position 281, T replaced by C.
Protein change: p.Leu94Pro; replaces leucine 94 with proline.
Molecular consequence: missense variant.
Genome position (GRCh38, 1-based): chr17:31,159,086, T>C. VCF-style: chr17-31159086-T-C. GRCh37 (hg19) VCF-style: chr17-29486104-T-C.
Other names: c.281T>C, p.Leu94Pro (NM_000267.4, NM_001128147.3); short protein forms L94P.
Identifiers: ClinVar variation 1315943 (VCV001315943.2), dbSNP rs1597629884, ClinGen allele CA398989868.